The following is an entry in ClinVar:

ClinVar aggregate classification (germline): Benign (0 of 4 stars; one submission).

Conditions:
ALPK2-related disorder. Also called: ALPK2-related condition.

Allele frequency attached by ClinVar (database versions not stated): ExAC 0.00337; gnomAD 0.01105; ESP Exome Variant Server 0.01138; 1000 Genomes Project 0.01178; TOPMed 0.01260; 1000 Genomes Project 30x 0.01390.
gnomAD v4.1: 3,153 of 1,614,058 alleles (0.2%); highest among the groups gnomAD compares: African/African-American, 3.7%; 66 homozygotes.

Submission:

PreventionGenetics, part of Exact Sciences
Classification: Benign for ALPK2-related condition. Last evaluated: 2019-07-12. Review status: no assertion criteria provided. Collection method: clinical testing. Allele origin: germline.
Comment: This variant is classified as benign based on ACMG/AMP sequence variant interpretation guidelines (Richards et al. 2015 PMID: 25741868, with internal and published modifications).

NM_052947.4(ALPK2):c.1571A>G (p.Asp524Gly)

Gene: ALPK2 (alpha kinase 2; minus strand). Cytogenetic location: 18q21.31.
Variant type: single nucleotide variant.
Coding change: c.1571A>G on transcript NM_052947.4 (MANE Select); coding-DNA position 1571, A replaced by G.
Protein change: p.Asp524Gly; replaces aspartic acid 524 with glycine.
Molecular consequence: missense variant.
Genome position (GRCh38, 1-based): chr18:58,579,205, T>C on the plus strand (A>G on the coding strand, the complement: ALPK2 is on the minus strand). VCF-style: chr18-58579205-T-C. GRCh37 (hg19) VCF-style: chr18-56246437-T-C.
Other names: short protein forms D524G.
Identifiers: ClinVar variation 3049814 (VCV003049814.2), dbSNP rs148879560, ClinGen allele CA8977219.